The following is an entry in ClinVar:

ClinVar aggregate classification (germline): Benign. Review status: criteria provided, multiple submitters, no conflicts (2 of 4 stars). 4 submissions from 4 submitters: Benign (4). Last evaluated 2026-02-03.

Conditions:
Glycogen storage disease type X (GSD10). Also called: MYOPATHY DUE TO PHOSPHOGLYCERATE MUTASE DEFICIENCY; PGAMM DEFICIENCY; PHOSPHOGLYCERATE MUTASE, MUSCLE, DEFICIENCY OF; Dimauro disease; Glycogen storage disease due to phosphoglycerate mutase deficiency; GSD X. Identifiers: Orphanet 97234, MedGen C0268149, MONDO:0009865, OMIM 261670.

Allele frequency attached by ClinVar (database versions not stated): gnomAD exomes 0.00253 and 0.00711; ExAC 0.00879; gnomAD 0.02739 and 0.02943; TOPMed 0.03087; 1000 Genomes Project 0.03175; ESP Exome Variant Server 0.03260; 1000 Genomes Project 30x 0.03513.
gnomAD v4.1: 8,019 of 1,614,048 alleles (0.5%); highest among the groups gnomAD compares: African/African-American, 9.5%; 368 homozygotes.

Submissions (4):

Labcorp Genetics (formerly Invitae), Labcorp
Classification: Benign for Glycogen storage disease type X. Last evaluated: 2026-02-03. Review status: criteria provided, single submitter. Criteria: Invitae Variant Classification Sherloc (09022015). Collection method: clinical testing. Allele origin: germline.

Illumina Laboratory Services, Illumina
Classification: Benign for Glycogen storage disease type X. Last evaluated: 2018-01-13. Review status: criteria provided, single submitter. Criteria: ICSL Variant Classification Criteria 13 December 2019. Collection method: clinical testing. Allele origin: germline.
Comment: This variant was observed in the ICSL laboratory as part of a predisposition screen in an ostensibly healthy population. It had not been previously curated by ICSL or reported in the Human Gene Mutation Database (HGMD: prior to June 1st, 2018), and was therefore a candidate for classification through an automated scoring system. Utilizing variant allele frequency, disease prevalence and penetrance estimates, and inheritance mode, an automated score was calculated to assess if this variant is too frequent to cause the disease. Based on the score and internal cut-off values, a variant classified as benign is not then subjected to further curation. The score for this variant resulted in a classification of benign for this disease.

Mayo Clinic Laboratories, Mayo Clinic
Classification: Benign. Last evaluated: 2017-11-22. Review status: criteria provided, single submitter. Criteria: ACMG Guidelines, 2015. Collection method: clinical testing. Allele origin: germline. Observed: 25 variant alleles.

GeneDx
Classification: Benign. Last evaluated: 2016-03-15. Review status: criteria provided, single submitter. Criteria: GeneDx Variant Classification (06012015). Collection method: clinical testing. Allele origin: germline. Affected: yes.
Comment: This variant is considered likely benign or benign based on one or more of the following criteria: it is a conservative change, it occurs at a poorly conserved position in the protein, it is predicted to be benign by multiple in silico algorithms, and/or has population frequency not consistent with disease.

NM_000290.4(PGAM2):c.324G>A (p.Gly108=)

Genes: DBNL (drebrin like; plus strand), PGAM2 (phosphoglycerate mutase 2; minus strand). Cytogenetic location: 7p13.
Variant type: single nucleotide variant.
Coding change: c.324G>A on transcript NM_000290.4 (MANE Select); coding-DNA position 324, G replaced by A.
Protein change: p.Gly108=; no amino-acid change (glycine 108 retained).
Molecular consequence: synonymous variant. On other transcripts: 3 prime UTR variant (6).
Genome position (GRCh38, 1-based): chr7:44,065,206, C>T on the plus strand (G>A on the coding strand, the complement: PGAM2 is on the minus strand). VCF-style: chr7-44065206-C-T. GRCh37 (hg19) VCF-style: chr7-44104805-C-T.
Other names: p.Gly108=; c.*4290C>T (NM_001014436.3, NM_001122956.2, NM_001284313.2 and 3 more transcripts).
Identifiers: ClinVar variation 360277 (VCV000360277.16), dbSNP rs112828964, ClinGen allele CA4236620.
Genomic context (GRCh38, chr7:44,065,206, plus strand): 5'-CTCGTCCATCGGGGGCGGCGGGATGTCGAAGGAGCGCCTCCAGATCTTCACCTGCTCCTC[C>T]CCGTGCTTGGCGGCCGTTTCTGCCTTGTTGAGGCCTGTGAGGCCCCCGTAATGCCGCTCA-3'
Protein context (NP_000281.2, residues 98-118): LNKAETAAKH[Gly108=]EEQVKIWRRS